The following is an entry in ClinVar:

NM_001042492.3(NF1):c.6365C>T (p.Thr2122Ile)

Gene: NF1 (neurofibromin 1; plus strand). Cytogenetic location: 17q11.2.
Variant type: single nucleotide variant.
Coding change: c.6365C>T on transcript NM_001042492.3 (MANE Select); coding-DNA position 6365, C replaced by T.
Protein change: p.Thr2122Ile; replaces threonine 2122 with isoleucine.
Molecular consequence: missense variant.
Genome position (GRCh38, 1-based): chr17:31,336,852, C>T. VCF-style: chr17-31336852-C-T. GRCh37 (hg19) VCF-style: chr17-29663870-C-T.
Other names: c.6302C>T, p.Thr2101Ile (NM_000267.4); short protein forms T2101I, T2122I.
Identifiers: ClinVar variation 237585 (VCV000237585.18), dbSNP rs878853907, ClinGen allele CA10583517.

ClinVar aggregate classification (germline): Conflicting classifications of pathogenicity. Review status: criteria provided, conflicting classifications (1 of 4 stars). 8 submissions from 8 submitters: Uncertain significance (7); Likely benign (1). Last evaluated 2026-02-03.

Conditions:
Cardiovascular phenotype. Identifiers: MedGen CN230736.
Hereditary cancer-predisposing syndrome. Also called: Hereditary Cancer Syndrome; Tumor predisposition; Hereditary neoplastic syndrome; Neoplastic Syndromes, Hereditary. Identifiers: Orphanet 140162, MedGen C0027672, MeSH D009386, MONDO:0015356.
Neurofibromatosis-Noonan syndrome (NFNS). Also called: NEUROFIBROMATOSIS WITH NOONAN PHENOTYPE. Identifiers: Orphanet 638, MedGen C2931482, MONDO:0011035, OMIM 601321. Disease mechanism: loss of function.
Café-au-lait macules with pulmonary stenosis (WTSN). Also called: PULMONIC STENOSIS WITH CAFE-AU-LAIT SPOTS. Identifiers: MedGen C0553586, MONDO:0008672, OMIM 193520.
Juvenile myelomonocytic leukemia (JMML). Also called: LEUKEMIA, JUVENILE MYELOMONOCYTIC, SOMATIC. Identifiers: Orphanet 86834, MedGen C0349639, MONDO:0011908, OMIM 607785, HP:0012209.
Neurofibromatosis, familial spinal (FSNF). Identifiers: Orphanet 636, MedGen C1834235, MONDO:0008078, OMIM 162210. Disease mechanism: loss of function.
Neurofibromatosis, type 1 (NF1). Also called: NEUROFIBROMATOSIS, TYPE I, SOMATIC; Neurofibromatosis, type I; VON RECKLINGHAUSEN DISEASE; Peripheral type neurofibromatosis. Identifiers: Orphanet 636, MedGen C0027831, MONDO:0018975, OMIM 162200. Disease mechanism: loss of function.

Allele frequency attached by ClinVar (database versions not stated): gnomAD exomes below 0.00001; TOPMed below 0.00001.
gnomAD v4.1: 2 of 1,613,824 alleles (0.00012%); highest among the groups gnomAD compares: Admixed American, 0.0017%; no homozygotes.

Submissions (8):

Labcorp Genetics (formerly Invitae), Labcorp
Classification: Likely benign for Neurofibromatosis, type 1. Last evaluated: 2026-02-03. Review status: criteria provided, single submitter. Criteria: Invitae Variant Classification Sherloc (09022015). Collection method: clinical testing. Allele origin: germline.

Quest Diagnostics Nichols Institute San Juan Capistrano
Classification: Uncertain significance. Last evaluated: 2025-04-15. Review status: criteria provided, single submitter. Criteria: Quest Diagnostics criteria. Collection method: clinical testing. Allele origin: unknown.

Fulgent Genetics
Classification: Uncertain significance for Neurofibromatosis, type 1; Neurofibromatosis, familial spinal; Café-au-lait macules with pulmonary stenosis; Neurofibromatosis-Noonan syndrome; Juvenile myelomonocytic leukemia. Last evaluated: 2024-01-23. Review status: criteria provided, single submitter. Criteria: ACMG Guidelines, 2015. Collection method: clinical testing. Allele origin: germline.

GeneDx
Classification: Uncertain significance. Last evaluated: 2023-12-26. Review status: criteria provided, single submitter. Criteria: GeneDx Variant Classification Process June 2021. Collection method: clinical testing. Allele origin: germline. Affected: yes.
Comment: Not observed at significant frequency in large population cohorts (gnomAD); In silico analysis supports that this missense variant has a deleterious effect on protein structure/function; Has not been previously published as pathogenic or benign to our knowledge

Blueprint Genetics
Classification: Uncertain significance. Last evaluated: 2023-01-23. Review status: criteria provided, single submitter. Criteria: ACMG Guidelines, 2015. Collection method: clinical testing. Allele origin: germline.

Genome-Nilou Lab
Classification: Uncertain significance for Neurofibromatosis, type 1. Last evaluated: 2022-03-15. Review status: criteria provided, single submitter. Criteria: ACMG Guidelines, 2015. Collection method: clinical testing. Allele origin: germline. Affected: no.

Ambry Genetics
Classification: Uncertain significance for Cardiovascular phenotype; Hereditary cancer-predisposing syndrome. Last evaluated: 2020-06-15. Review status: criteria provided, single submitter. Criteria: Ambry Variant Classification Scheme 2023. Collection method: clinical testing. Allele origin: germline.

Women's Health and Genetics/Laboratory Corporation of America, LabCorp
Classification: Uncertain significance. Last evaluated: 2018-04-23. Review status: criteria provided, single submitter. Criteria: LabCorp Variant Classification Summary - May 2015. Collection method: clinical testing. Allele origin: germline.
Comment: Variant summary: NF1 c.6302C>T (p.Thr2101Ile) results in a non-conservative amino acid change in the encoded protein sequence. Three of five in-silico tools predict a benign effect of the variant on protein function. The variant was absent in 246036 control chromosomes. The available data on variant occurrences in the general population are insufficient to allow any conclusion about variant significance. To our knowledge, no occurrence of c.6302C>T in individuals affected with Neurofibromatosis Type 1 and no experimental evidence demonstrating its impact on protein function have been reported. Two clinical diagnostic laboratories have submitted clinical-significance assessments for this variant to ClinVar after 2014 and both classified the variant as uncertain significance. Based on the evidence outlined above, the variant was classified as uncertain significance.